The following is an entry in ClinVar:

ClinVar aggregate classification (germline): Conflicting classifications of pathogenicity. Review status: criteria provided, conflicting classifications (1 of 4 stars). 3 submissions from 3 submitters: Likely pathogenic (1); Uncertain significance (2). Last evaluated 2024-03-14.

Conditions:
Hereditary nonpolyposis colorectal neoplasms. Identifiers: MedGen C0009405, MeSH D003123.
Endometrial carcinoma. Also called: Endometrial carcinoma, somatic. Identifiers: MedGen C0476089, MONDO:0002447, OMIM 608089, HP:0012114.
Mismatch repair cancer syndrome 3. Identifiers: MedGen C5436807, MONDO:0030841, OMIM 619097.
Lynch syndrome 5 (LYNCH5). Also called: Colorectal cancer, hereditary nonpolyposis, type 5; Hereditary non-polyposis colorectal cancer, type 5. Identifiers: Orphanet 144, MedGen C1833477, MONDO:0013710, OMIM 614350. Disease mechanism: loss of function.

Allele frequency attached by ClinVar (database versions not stated): gnomAD exomes below 0.00001; ExAC 0.00001.
gnomAD v4.1: 1 of 1,614,180 alleles (0.000062%); highest among the groups gnomAD compares: East Asian, 0.0022%; no homozygotes.

Submissions (3):

Labcorp Genetics (formerly Invitae), Labcorp
Classification: Uncertain significance for Hereditary nonpolyposis colorectal neoplasms. Last evaluated: 2024-03-14. Review status: criteria provided, single submitter. Criteria: Invitae Variant Classification Sherloc (09022015). Collection method: clinical testing. Allele origin: germline.
Comment: This sequence change replaces arginine, which is basic and polar, with glycine, which is neutral and non-polar, at codon 511 of the MSH6 protein (p.Arg511Gly). This variant is present in population databases (rs773303940, gnomAD 0.006%). This missense change has been observed in individual(s) with clinical features of Lynch syndrome (PMID: 28531214). Advanced modeling of protein sequence and biophysical properties (such as structural, functional, and spatial information, amino acid conservation, physicochemical variation, residue mobility, and thermodynamic stability) performed at Invitae indicates that this missense variant is expected to disrupt MSH6 protein function with a positive predictive value of 95%. Experimental studies have shown that this missense change affects MSH6 function (PMID: 28531214, 31965077). In summary, the available evidence is currently insufficient to determine the role of this variant in disease. Therefore, it has been classified as a Variant of Uncertain Significance.

Baylor Genetics
Classification: Uncertain significance for Endometrial carcinoma. Last evaluated: 2024-02-29. Review status: criteria provided, single submitter. Criteria: ACMG Guidelines, 2015. Collection method: clinical testing. Allele origin: unknown.

Juno Genomics, Hangzhou Juno Genomics, Inc
Classification: Likely pathogenic for Lynch syndrome 5; Endometrial carcinoma; Mismatch repair cancer syndrome 3. Review status: criteria provided, single submitter. Criteria: ACMG Guidelines, 2015. Collection method: clinical testing. Allele origin: germline. Affected: yes.
Comment: Absent from controls (or at extremely low frequency if recessive) in Genome Aggregation Database, Exome Sequencing Project, 1000 Genomes Project, or Exome Aggregation Consortium.;Well-established in vitro or in vivo functional studies supportive of a damaging effect on the gene or gene product.;Patient's phenotype or family history is highly specific for a disease with a single genetic etiology.

Literature cited by the submitters: PubMed 28531214 (cited by Labcorp Genetics (formerly Invitae), Labcorp); PubMed 31965077 (cited by Labcorp Genetics (formerly Invitae), Labcorp).

NM_000179.3(MSH6):c.1531A>G (p.Arg511Gly)

Gene: MSH6 (mutS homolog 6; plus strand). Cytogenetic location: 2p16.3.
Variant type: single nucleotide variant.
Coding change: c.1531A>G on transcript NM_000179.3 (MANE Select); coding-DNA position 1531, A replaced by G.
Protein change: p.Arg511Gly; replaces arginine 511 with glycine.
Molecular consequence: missense variant. On other transcripts: non-coding transcript variant (4), intron variant (1).
Genome position (GRCh38, 1-based): chr2:47,799,514, A>G. VCF-style: chr2-47799514-A-G. GRCh37 (hg19) VCF-style: chr2-48026653-A-G.
Other names: c.1537A>G, p.Arg513Gly (NM_001406813.1); c.625A>G, p.Arg209Gly (NM_001406814.1, NM_001406815.1, NM_001406816.1 and 6 more transcripts); c.1531A>G, p.Arg511Gly (NM_001406817.1, NM_001406796.1, NM_001406798.1 and 4 more transcripts); c.1234A>G, p.Arg412Gly (NM_001406818.1, NM_001406819.1, NM_001406820.1 and 10 more transcripts); c.1141A>G, p.Arg381Gly (NM_001281492.2); c.1627A>G, p.Arg543Gly (NM_001406795.1, NM_001406802.1); c.1006A>G, p.Arg336Gly (NM_001406799.1, NM_001406806.1, NM_001406807.1); c.1453A>G, p.Arg485Gly (NM_001406804.1); and 2 more; short protein forms R209G, R336G, R381G, R412G, R455G, R485G, R511G, R513G.
Identifiers: ClinVar variation 3239788 (VCV003239788.5), dbSNP rs773303940.